The following is an entry in ClinVar:

NM_001006658.3(CR2):c.2618T>C (p.Val873Ala)

Gene: CR2 (complement C3d receptor 2; plus strand). Cytogenetic location: 1q32.2.
Variant type: single nucleotide variant.
Coding change: c.2618T>C on transcript NM_001006658.3 (MANE Select); coding-DNA position 2618, T replaced by C.
Protein change: p.Val873Ala; replaces valine 873 with alanine.
Molecular consequence: missense variant.
Genome position (GRCh38, 1-based): chr1:207,475,118, T>C. VCF-style: chr1-207475118-T-C. GRCh37 (hg19) VCF-style: chr1-207648463-T-C.
Other names: c.2441T>C, p.Val814Ala (NM_001877.5); short protein forms V814A, V873A.
Identifiers: ClinVar variation 2498444 (VCV002498444.28), dbSNP rs1658399131, ClinGen allele CA344539132.
Genomic context (GRCh38, chr1:207,475,118, plus strand): 5'-AACATGGGTACAAGCTCAATAAAACACATTCTGCATATTCCCACAATGACATAGTGTATG[T>C]TGACTGCAATCCTGGCTTCATCATGAATGGTAGTCGCGTGATTAGGTGTCATACTGATAA-3'
Protein context (NP_001006659.1, residues 863-883): SAYSHNDIVY[Val873Ala]DCNPGFIMNG

ClinVar aggregate classification (germline): Uncertain significance (1 of 4 stars; one submission).

Allele frequency attached by ClinVar (database versions not stated): gnomAD exomes below 0.00001.
gnomAD v4.1: 6 of 1,612,812 alleles (0.00037%); highest among the groups gnomAD compares: Non-Finnish European, 0.00051%; no homozygotes.

Submission:

CeGaT Center for Human Genetics Tuebingen
Classification: Uncertain significance. Last evaluated: 2023-01-01. Review status: criteria provided, single submitter. Criteria: CeGaT Center For Human Genetics Tuebingen Variant Classification Criteria Version 2. Collection method: clinical testing. Allele origin: germline. Affected: yes. Observed: 1 variant allele.
Comment: CR2: PM2, BP4